The following is an entry in ClinVar:

NM_005359.6(SMAD4):c.1064A>T (p.Asp355Val)

Gene: SMAD4 (SMAD family member 4; plus strand). Cytogenetic location: 18q21.2.
Variant type: single nucleotide variant.
Coding change: c.1064A>T on transcript NM_005359.6 (MANE Select); coding-DNA position 1064, A replaced by T.
Protein change: p.Asp355Val; replaces aspartic acid 355 with valine.
Molecular consequence: missense variant. On other transcripts: non-coding transcript variant (2).
Genome position (GRCh38, 1-based): chr18:51,065,531, A>T. VCF-style: chr18-51065531-A-T. GRCh37 (hg19) VCF-style: chr18-48591901-A-T.
Other names: c.1064A>T, p.Asp355Val (NM_001407041.1, NM_001407042.1, NM_001407043.1); short protein forms D355V.
Identifiers: ClinVar variation 4530261 (VCV004530261.1).
Genomic context (GRCh38, chr18:51,065,531, plus strand): 5'-TAGGAGAGACATTTAAGGTTCCTTCAAGCTGCCCTATTGTTACTGTTGATGGATACGTGG[A>T]CCCTTCTGGAGGAGATCGCTTTTGTTTGGGTCAACTCTCCAATGTCCACAGGACAGAAGC-3'
Protein context (NP_005350.1, residues 345-365): CPIVTVDGYV[Asp355Val]PSGGDRFCLG

ClinVar aggregate classification (somatic clinical impact): Tier I - Strong (1 of 4 stars; one submission).

Conditions:
Colorectal cancer. Also called: Colorectal cancer, somatic; Malignant Colorectal Neoplasm. Identifiers: MedGen C0346629, MONDO:0005575, OMIM 114500.

Submission:

Institute for Genomic Medicine (IGM) Clinical Laboratory, Nationwide Children's Hospital
Classification: Tier I - Strong for Colorectal cancer. Assertion type: diagnostic. Clinical significance: supports diagnosis. Last evaluated: 2025-01-10. Review status: criteria provided, single submitter. Criteria: AMP/ASCO/CAP Guidelines, 2017. Collection method: clinical testing. Allele origin: somatic. Affected: yes.
Comment: Variant has Tier I (strong) clinical significance as a diagnostic inclusion criterion in colorectal cancer, based on the following evidence: 1) Documented in one or more cancer databases (e.g., St. Jude Pecan, COSMIC, CIViC, OncoKB). 2) Appears in one or more well-established professional guidelines (e.g., World Health Organization [WHO]; National Comprehensive Cancer Network [NCCN]) as providing diagnostic, prognostic, or therapeutic information. 3) Diagnostic for a specific tumor type/classification based on well-powered studies with expert-level consensus (Evidence Level B; PMIDs: 28267766, 29316426, 30032163, 31080553, 31400926, 31515570, 39761813).

Literature cited by the submitters: PubMed 28267766; PubMed 29316426; PubMed 30032163; PubMed 31080553; PubMed 31400926; PubMed 31515570; PubMed 39761813.